The following is an entry in ClinVar:

ClinVar aggregate classification (germline): Conflicting classifications of pathogenicity. Review status: criteria provided, conflicting classifications (1 of 4 stars). 5 submissions from 5 submitters: Uncertain significance (1); Benign (2); Likely benign (1). 1 of the submissions does not count toward it. Last evaluated 2025-10-04.

Conditions:
KIFBP-related disorder. Also called: KIFBP-related condition.
Goldberg-Shprintzen syndrome. Identifiers: Orphanet 66629, MedGen C1836123, MONDO:0012280, OMIM 609460.

Allele frequency attached by ClinVar (database versions not stated): ESP Exome Variant Server 0.00031; gnomAD 0.00059 and 0.00094; gnomAD exomes 0.00093 and 0.00195; TOPMed 0.00114; ExAC 0.00206; 1000 Genomes Project 30x 0.00500; 1000 Genomes Project 0.00619.

Submissions (5):

Labcorp Genetics (formerly Invitae), Labcorp
Classification: Benign. Last evaluated: 2025-10-04. Review status: criteria provided, single submitter. Criteria: Invitae Variant Classification Sherloc (09022015). Collection method: clinical testing. Allele origin: germline.

Illumina Laboratory Services, Illumina
Classification: Benign for Goldberg-Shprintzen syndrome. Last evaluated: 2018-01-12. Review status: criteria provided, single submitter. Criteria: ICSL Variant Classification Criteria 13 December 2019. Collection method: clinical testing. Allele origin: germline.
Comment: This variant was observed in the ICSL laboratory as part of a predisposition screen in an ostensibly healthy population. It had not been previously curated by ICSL or reported in the Human Gene Mutation Database (HGMD: prior to June 1st, 2018), and was therefore a candidate for classification through an automated scoring system. Utilizing variant allele frequency, disease prevalence and penetrance estimates, and inheritance mode, an automated score was calculated to assess if this variant is too frequent to cause the disease. Based on the score and internal cut-off values, a variant classified as benign is not then subjected to further curation. The score for this variant resulted in a classification of benign for this disease.

GeneDx
Classification: Likely benign. Last evaluated: 2017-10-03. Review status: criteria provided, single submitter. Criteria: GeneDx Variant Classification (06012015). Collection method: clinical testing. Allele origin: germline. Affected: yes.
Comment: This variant is considered likely benign or benign based on one or more of the following criteria: it is a conservative change, it occurs at a poorly conserved position in the protein, it is predicted to be benign by multiple in silico algorithms, and/or has population frequency not consistent with disease.

Genetic Services Laboratory, University of Chicago
Classification: Uncertain significance for Goldberg-Shprintzen megacolon syndrome. Last evaluated: 2012-12-28. Review status: criteria provided, single submitter. Criteria: ACMG Guidelines, 2007. Collection method: clinical testing. Allele origin: germline. Inheritance: Autosomal dominant inheritance.

PreventionGenetics, part of Exact Sciences
Classification: Benign for KIFBP-related condition. Last evaluated: 2019-06-11. Review status: no assertion criteria provided. Collection method: clinical testing. Allele origin: germline. Not counted in ClinVar's aggregate classification.
Comment: This variant is classified as benign based on ACMG/AMP sequence variant interpretation guidelines (Richards et al. 2015 PMID: 25741868, with internal and published modifications).

NM_015634.4(KIFBP):c.78A>G (p.Lys26=)

Genes: KIFBP (kinesin family binding protein; plus strand), LOC130003959 (ATAC-STARR-seq lymphoblastoid active region 3474; plus strand). Cytogenetic location: 10q22.1.
Variant type: single nucleotide variant.
Coding change: c.78A>G on transcript NM_015634.4 (MANE Select); coding-DNA position 78, A replaced by G.
Protein change: p.Lys26=; no amino-acid change (lysine 26 retained).
Molecular consequence: synonymous variant.
Genome position (GRCh38, 1-based): chr10:68,988,910, A>G. VCF-style: chr10-68988910-A-G. GRCh37 (hg19) VCF-style: chr10-70748666-A-G.
Identifiers: ClinVar variation 158699 (VCV000158699.21), dbSNP rs144067344, ClinGen allele CA213242.